The following is an entry in ClinVar:

NM_015338.6(ASXL1):c.4193A>G (p.His1398Arg)

Gene: ASXL1 (ASXL transcriptional regulator 1; plus strand). Cytogenetic location: 20q11.21.
Variant type: single nucleotide variant.
Coding change: c.4193A>G on transcript NM_015338.6 (MANE Select); coding-DNA position 4193, A replaced by G.
Protein change: p.His1398Arg; replaces histidine 1398 with arginine.
Molecular consequence: missense variant.
Genome position (GRCh38, 1-based): chr20:32,436,905, A>G. VCF-style: chr20-32436905-A-G. GRCh37 (hg19) VCF-style: chr20-31024708-A-G.
Other names: c.4010A>G, p.His1337Arg (NM_001363734.1); short protein forms H1337R, H1398R.
Identifiers: ClinVar variation 4158447 (VCV004158447.1).

ClinVar aggregate classification (germline): Uncertain significance (1 of 4 stars; one submission).

Conditions:
Inborn genetic diseases. Identifiers: MedGen C0950123, MeSH D030342.

gnomAD v4.1: 1 of 1,614,226 alleles (0.000062%); highest among the groups gnomAD compares: African/African-American, 0.0013%; no homozygotes.

Submission:

Ambry Genetics
Classification: Uncertain significance for Inborn genetic diseases. Last evaluated: 2025-07-31. Review status: criteria provided, single submitter. Criteria: Ambry Variant Classification Scheme 2023. Collection method: clinical testing. Allele origin: germline.
Comment: The p.H1398R variant (also known as c.4193A>G), located in coding exon 13 of the ASXL1 gene, results from an A to G substitution at nucleotide position 4193. The histidine at codon 1398 is replaced by arginine, an amino acid with highly similar properties. This amino acid position is conserved. In addition, this alteration is predicted to be tolerated by in silico analysis. Based on the available evidence, the clinical significance of this variant remains unclear.